The following is an entry in ClinVar:

ClinVar aggregate classification (germline): Uncertain significance (1 of 4 stars; one submission).

gnomAD v4.1: 28 of 1,550,330 alleles (0.0018%); highest among the groups gnomAD compares: South Asian, 0.014%; 1 homozygote.

Submission:

ARUP Laboratories, Molecular Genetics and Genomics, ARUP Laboratories
Classification: Uncertain significance. Last evaluated: 2024-12-13. Review status: criteria provided, single submitter. Criteria: ARUP Molecular Germline Variant Investigation Process 2024. Collection method: clinical testing. Allele origin: germline.
Comment: The PIEZO1 c.3820C>G; p.Gln1274Glu variant (rs772005037), to our knowledge, is not reported in the medical literature or gene specific databases. This variant is only observed on six alleles in the Genome Aggregation Database (v2.1.1), indicating it is not a common polymorphism. Computational analyses predict that this variant is neutral (REVEL: 0.069). Due to limited information, the clinical significance of this variant is uncertain at this time.

NM_001142864.4(PIEZO1):c.3820C>G (p.Gln1274Glu)

Gene: PIEZO1 (piezo type mechanosensitive ion channel component 1 (Er blood group); minus strand). Cytogenetic location: 16q24.3.
Variant type: single nucleotide variant.
Coding change: c.3820C>G on transcript NM_001142864.4 (MANE Select); coding-DNA position 3820, C replaced by G.
Protein change: p.Gln1274Glu; replaces glutamine 1274 with glutamic acid.
Molecular consequence: missense variant.
Genome position (GRCh38, 1-based): chr16:88,726,432, G>C on the plus strand (C>G on the coding strand, the complement: PIEZO1 is on the minus strand). VCF-style: chr16-88726432-G-C. GRCh37 (hg19) VCF-style: chr16-88792840-G-C.
Other names: short protein forms Q1274E.
Identifiers: ClinVar variation 4685683 (VCV004685683.1).